The following is an entry in ClinVar:

ClinVar aggregate classification (germline): Likely benign. Review status: reviewed by expert panel (3 of 4 stars). 2 submissions from 2 submitters: Likely benign (1). 1 of the submissions does not count toward it. Last evaluated 2017-06-29.

Conditions:
Breast-ovarian cancer, familial, susceptibility to, 2 (BROVCA2). Also called: BRCA2 Hereditary Breast and Ovarian Cancer. Identifiers: Orphanet 145, MedGen C2675520, MONDO:0012933, OMIM 612555. Disease mechanism: loss of function.
Hereditary breast ovarian cancer syndrome. Also called: Hereditary breast and ovarian cancer syndrome; BRCA1- and BRCA2-Associated Hereditary Breast and Ovarian Cancer; Hereditary breast and/or ovarian cancer syndrome; Hereditary breast and ovarian cancer; Breast and ovarian cancer; Hereditary breast and ovarian cancer syndrome (HBOC). Identifiers: Orphanet 145, MedGen C0677776, MeSH D061325, MONDO:0003582. Disease mechanism: loss of function.

Allele frequency attached by ClinVar (database versions not stated): gnomAD exomes below 0.00001.

Submissions (2):

Evidence-based Network for the Interpretation of Germline Mutant Alleles (ENIGMA)
Classification: Likely benign for Breast-ovarian cancer, familial, susceptibility to, 2. Last evaluated: 2017-06-29. Review status: reviewed by expert panel. Criteria: ENIGMA BRCA1/2 Classification Criteria (2017-06-29). Collection method: curation. Allele origin: germline.
Comment: Synonymous substitution variant, with low bioinformatic likelihood to result in a splicing aberration (Splicing prior probability 0.02).

Labcorp Genetics (formerly Invitae), Labcorp
Classification: Likely benign for Hereditary breast ovarian cancer syndrome. Last evaluated: 2022-10-20. Review status: criteria provided, single submitter. Criteria: Invitae Variant Classification Sherloc (09022015). Collection method: clinical testing. Allele origin: germline. Not counted in ClinVar's aggregate classification.

NM_000059.4(BRCA2):c.2265C>T (p.Ser755=)

Gene: BRCA2 (BRCA2 DNA repair associated; plus strand). Cytogenetic location: 13q13.1.
Variant type: single nucleotide variant.
Coding change: c.2265C>T on transcript NM_000059.4 (MANE Select); coding-DNA position 2265, C replaced by T.
Protein change: p.Ser755=; no amino-acid change (serine 755 retained).
Molecular consequence: synonymous variant.
Genome position (GRCh38, 1-based): chr13:32,336,620, C>T. VCF-style: chr13-32336620-C-T. GRCh37 (hg19) VCF-style: chr13-32910757-C-T.
Identifiers: ClinVar variation 427409 (VCV000427409.8), dbSNP rs1131692132, ClinGen allele CA483437010.